The following is an entry in ClinVar:

NM_001267550.2(TTN):c.87616G>A (p.Glu29206Lys)

Genes: TTN (titin; minus strand), TTN-AS1 (TTN antisense RNA 1; plus strand). Cytogenetic location: 2q31.2.
Variant type: single nucleotide variant.
Coding change: c.87616G>A on transcript NM_001267550.2 (MANE Select); coding-DNA position 87616, G replaced by A.
Protein change: p.Glu29206Lys; replaces glutamic acid 29206 with lysine.
Molecular consequence: missense variant.
Genome position (GRCh38, 1-based): chr2:178,557,738, C>T on the plus strand (G>A on the coding strand, the complement: TTN is on the minus strand). VCF-style: chr2-178557738-C-T. GRCh37 (hg19) VCF-style: chr2-179422465-C-T.
Other names: c.82693G>A, p.Glu27565Lys (NM_001256850.1); c.60421G>A, p.Glu20141Lys (NM_003319.4); c.79912G>A, p.Glu26638Lys (NM_133378.4); c.60796G>A, p.Glu20266Lys (NM_133432.3); c.60997G>A, p.Glu20333Lys (NM_133437.4); short protein forms E27565K, E29206K, E20266K, E20333K, E26638K, E20141K.
Identifiers: ClinVar variation 513922 (VCV000513922.1), dbSNP rs1364550008, ClinGen allele CA349535234.

ClinVar aggregate classification (germline): Likely benign (1 of 4 stars; one submission).

gnomAD v4.1: 1 of 1,613,962 alleles (0.000062%); highest among the groups gnomAD compares: Non-Finnish European, 0.000085%; no homozygotes.

Submission:

GeneDx
Classification: Likely benign. Last evaluated: 2017-11-30. Review status: criteria provided, single submitter. Criteria: GeneDx Variant Classification (06012015). Collection method: clinical testing. Allele origin: germline. Affected: yes.
Comment: This variant is considered likely benign or benign based on one or more of the following criteria: it is a conservative change, it occurs at a poorly conserved position in the protein, it is predicted to be benign by multiple in silico algorithms, and/or has population frequency not consistent with disease.